The following is an entry in ClinVar:

NM_002471.4(MYH6):c.3908T>C (p.Leu1303Pro)

Gene: MYH6 (myosin heavy chain 6; minus strand). Cytogenetic location: 14q11.2.
Variant type: single nucleotide variant.
Coding change: c.3908T>C on transcript NM_002471.4 (MANE Select); coding-DNA position 3908, T replaced by C.
Protein change: p.Leu1303Pro; replaces leucine 1303 with proline.
Molecular consequence: missense variant.
Genome position (GRCh38, 1-based): chr14:23,389,463, A>G on the plus strand (T>C on the coding strand, the complement: MYH6 is on the minus strand). VCF-style: chr14-23389463-A-G. GRCh37 (hg19) VCF-style: chr14-23858672-A-G.
Other names: short protein forms L1303P.
Identifiers: ClinVar variation 4075651 (VCV004075651.1).
Genomic context (GRCh38, chr14:23,389,463, plus strand): 5'-TCCTCCAGCTGCCTTTTGAGGTCCTCCATTTGCTGGGTATAAGAGAGCTTCCCCCGGGTC[A>G]GCTGCGAGATTAGCGCCTCCTTTTCCTCTAGCTGCCGGGCCAACTCTCCTGGAGGTGAAA-3'
Protein context (NP_002462.2, residues 1293-1313): LEEKEALISQ[Leu1303Pro]TRGKLSYTQQ

ClinVar aggregate classification (germline): Uncertain significance (1 of 4 stars; one submission).

Submission:

GeneDx
Classification: Uncertain significance. Last evaluated: 2025-02-14. Review status: criteria provided, single submitter. Criteria: GeneDx Variant Classification Process June 2021. Collection method: clinical testing. Allele origin: germline. Affected: yes.
Comment: Not observed at significant frequency in large population cohorts (gnomAD); In silico analysis supports that this missense variant has a deleterious effect on protein structure/function; Has not been previously published as pathogenic or benign to our knowledge